The following is an entry in ClinVar:

ClinVar aggregate classification (germline): Benign. Review status: criteria provided, multiple submitters, no conflicts (2 of 4 stars). 7 submissions from 7 submitters: Benign (7). Last evaluated 2026-02-02.

Conditions:
Multiple cutaneous and mucosal venous malformations (VMCM). Also called: TEK-Related Multiple Cutaneous and Mucosal Venous Malformations (VMCM). Identifiers: Orphanet 2451, MedGen C1838437, MONDO:0010842, OMIM 600195.

Allele frequency attached by ClinVar (database versions not stated): ESP Exome Variant Server 0.04459; 1000 Genomes Project 0.04992; 1000 Genomes Project 30x 0.05215; gnomAD 0.06214 and 0.06246; TOPMed 0.06263; ExAC 0.07510.
gnomAD v4.1: 107,403 of 1,614,038 alleles (6.7%); highest among the groups gnomAD compares: Admixed American, 23%; 5,227 homozygotes.

Submissions (7):

Labcorp Genetics (formerly Invitae), Labcorp
Classification: Benign. Last evaluated: 2026-02-02. Review status: criteria provided, single submitter. Criteria: Invitae Variant Classification Sherloc (09022015). Collection method: clinical testing. Allele origin: germline.

ARUP Laboratories, Molecular Genetics and Genomics, ARUP Laboratories
Classification: Benign. Last evaluated: 2025-06-12. Review status: criteria provided, single submitter. Criteria: ARUP Molecular Germline Variant Investigation Process 2024. Collection method: clinical testing. Allele origin: germline.

Blueprint Genetics
Classification: Benign. Last evaluated: 2024-11-27. Review status: criteria provided, single submitter. Criteria: ACMG Guidelines, 2015. Collection method: clinical testing. Allele origin: germline.

Mayo Clinic Laboratories, Mayo Clinic
Classification: Benign. Last evaluated: 2022-04-26. Review status: criteria provided, single submitter. Criteria: ACMG Guidelines, 2015. Collection method: clinical testing. Allele origin: germline. Observed: 93 variant alleles.

GeneDx
Classification: Benign. Last evaluated: 2021-05-05. Review status: criteria provided, single submitter. Criteria: GeneDx Variant Classification Process June 2021. Collection method: clinical testing. Allele origin: germline. Affected: yes.

Illumina Laboratory Services, Illumina
Classification: Benign for Multiple cutaneous and mucosal venous malformations. Last evaluated: 2018-01-13. Review status: criteria provided, single submitter. Criteria: ICSL Variant Classification Criteria 13 December 2019. Collection method: clinical testing. Allele origin: germline.
Comment: This variant was observed in the ICSL laboratory as part of a predisposition screen in an ostensibly healthy population. It had not been previously curated by ICSL or reported in the Human Gene Mutation Database (HGMD: prior to June 1st, 2018), and was therefore a candidate for classification through an automated scoring system. Utilizing variant allele frequency, disease prevalence and penetrance estimates, and inheritance mode, an automated score was calculated to assess if this variant is too frequent to cause the disease. Based on the score and internal cut-off values, a variant classified as benign is not then subjected to further curation. The score for this variant resulted in a classification of benign for this disease.

Breakthrough Genomics
Classification: Benign. Review status: criteria provided, single submitter. Criteria: ACMG Guidelines, 2015. Collection method: not provided. Allele origin: germline. Inheritance: Autosomal dominant inheritance. Affected: yes.

NM_000459.5(TEK):c.1680T>C (p.Asn560=)

Gene: TEK (TEK receptor tyrosine kinase; plus strand). Cytogenetic location: 9p21.2.
Variant type: single nucleotide variant.
Coding change: c.1680T>C on transcript NM_000459.5 (MANE Select); coding-DNA position 1680, T replaced by C.
Protein change: p.Asn560=; no amino-acid change (asparagine 560 retained).
Molecular consequence: synonymous variant.
Genome position (GRCh38, 1-based): chr9:27,197,370, T>C. VCF-style: chr9-27197370-T-C. GRCh37 (hg19) VCF-style: chr9-27197368-T-C.
Other names: p.Asn560=; c.1551T>C, p.Asn517= (NM_001290077.2, NM_001375476.1); c.1239T>C, p.Asn413= (NM_001290078.2); c.1680T>C, p.Asn560= (NM_001375475.1).
Identifiers: ClinVar variation 366427 (VCV000366427.31), dbSNP rs35357088, ClinGen allele CA5016312.